The following is an entry in ClinVar:

NM_005654.6(NR2F1):c.391G>A (p.Asp131Asn)

Genes: NR2F1 (nuclear receptor subfamily 2 group F member 1; plus strand), NR2F1-AS1 (NR2F1 regulatory antisense RNA 1; minus strand). Cytogenetic location: 5q15.
Variant type: single nucleotide variant.
Coding change: c.391G>A on transcript NM_005654.6 (MANE Select); coding-DNA position 391, G replaced by A.
Protein change: p.Asp131Asn; replaces aspartic acid 131 with asparagine.
Molecular consequence: missense variant.
Genome position (GRCh38, 1-based): chr5:93,585,414, G>A. VCF-style: chr5-93585414-G-A. GRCh37 (hg19) VCF-style: chr5-92921120-G-A.
Other names: short protein forms D131N.
Identifiers: ClinVar variation 1695135 (VCV001695135.31), dbSNP rs2149941644, ClinGen allele CA360526176.

ClinVar aggregate classification (germline): Uncertain significance (1 of 4 stars; one submission).

Submission:

CeGaT Center for Human Genetics Tuebingen
Classification: Uncertain significance. Last evaluated: 2022-05-01. Review status: criteria provided, single submitter. Criteria: CeGaT Center For Human Genetics Tuebingen Variant Classification Criteria Version 2. Collection method: clinical testing. Allele origin: germline. Affected: yes. Observed: 1 variant allele.
Comment: NR2F1: PM2, PP2, PP3, PS2:Supporting